The following is an entry in ClinVar:

ClinVar aggregate classification (germline): Uncertain significance (1 of 4 stars; one submission).

Submission:

GeneDx
Classification: Uncertain significance. Last evaluated: 2026-10-17. Review status: criteria provided, single submitter. Criteria: GeneDx Variant Classification Process June 2021. Collection method: clinical testing. Allele origin: germline.
Comment: Not observed at significant frequency in large population cohorts (gnomAD); In silico analysis supports that this missense variant has a deleterious effect on protein structure/function; Not located in the triple helical region, where the majority of pathogenic missense variants occur (HGMD); Has not been previously published as pathogenic or benign to our knowledge

NM_001844.5(COL2A1):c.194A>T (p.Asp65Val)

Gene: COL2A1 (collagen type II alpha 1 chain; minus strand). Cytogenetic location: 12q13.11.
Variant type: single nucleotide variant.
Coding change: c.194A>T on transcript NM_001844.5 (MANE Select); coding-DNA position 194, A replaced by T.
Protein change: p.Asp65Val; replaces aspartic acid 65 with valine.
Molecular consequence: missense variant. On other transcripts: intron variant (1).
Genome position (GRCh38, 1-based): chr12:48,000,017, T>A on the plus strand (A>T on the coding strand, the complement: COL2A1 is on the minus strand). VCF-style: chr12-48000017-T-A. GRCh37 (hg19) VCF-style: chr12-48393800-T-A.
Other names: c.86-1586A>T (NM_033150.3); short protein forms D65V.
Identifiers: ClinVar variation 3770070 (VCV003770070.2).
Genomic context (GRCh38, chr12:48,000,017, plus strand): 5'-CACTCTCCGAAGGGGATCTCAGGGCTGAGGCAGTCTTTCACGTCTTCACAGATTATGTCG[T>A]CGCAGAGGACAGTCCCAGTGTCACAGACACAGATCCGGCAGGGCTCCGGCTTCCACACAT-3'
Protein context (NP_001835.3, residues 55-75): CVCDTGTVLC[Asp65Val]DIICEDVKDC